The following is an entry in ClinVar:

ClinVar aggregate classification (germline): Conflicting classifications of pathogenicity. Review status: criteria provided, conflicting classifications (1 of 4 stars). 7 submissions from 7 submitters: Uncertain significance (1); Likely benign (5). 1 of the submissions does not count toward it. Last evaluated 2025-09-12.

Conditions:
TTN-related disorder. Also called: TTN-related condition; TTN-related disease; TTN-related disorders.
Cardiovascular phenotype. Identifiers: MedGen CN230736.
Dilated cardiomyopathy 1G (CMD1G). Identifiers: Orphanet 154, MedGen C1858763, MONDO:0011400, OMIM 604145.
Autosomal recessive limb-girdle muscular dystrophy type 2J (LGMDR10). Also called: Limb-girdle muscular dystrophy, type 2J; MUSCULAR DYSTROPHY, LIMB-GIRDLE, AUTOSOMAL RECESSIVE 10. Identifiers: Orphanet 140922, MedGen C1837342, MONDO:0012127, OMIM 608807.

Allele frequency attached by ClinVar (database versions not stated): gnomAD exomes 0.00001; TOPMed 0.00002.
gnomAD v4.1: 18 of 1,613,902 alleles (0.0011%); highest among the groups gnomAD compares: East Asian, 0.0022%; no homozygotes.

Submissions (7):

Labcorp Genetics (formerly Invitae), Labcorp
Classification: Likely benign for Dilated cardiomyopathy 1G; Autosomal recessive limb-girdle muscular dystrophy type 2J. Last evaluated: 2025-09-12. Review status: criteria provided, single submitter. Criteria: Invitae Variant Classification Sherloc (09022015). Collection method: clinical testing. Allele origin: germline.

Blueprint Genetics
Classification: Likely benign. Last evaluated: 2021-09-15. Review status: criteria provided, single submitter. Criteria: ACMG Guidelines, 2015. Collection method: clinical testing. Allele origin: germline.

Women's Health and Genetics/Laboratory Corporation of America, LabCorp
Classification: Likely benign. Last evaluated: 2021-06-07. Review status: criteria provided, single submitter. Criteria: LabCorp Variant Classification Summary - May 2015. Collection method: clinical testing. Allele origin: germline.

Ambry Genetics
Classification: Likely benign for Cardiovascular phenotype. Last evaluated: 2021-06-06. Review status: criteria provided, single submitter. Criteria: Ambry Variant Classification Scheme 2023. Collection method: clinical testing. Allele origin: germline.

GeneDx
Classification: Likely benign. Last evaluated: 2018-10-03. Review status: criteria provided, single submitter. Criteria: GeneDx Variant Classification Process June 2021. Collection method: clinical testing. Allele origin: germline. Affected: yes.

Eurofins Ntd Llc (ga)
Classification: Uncertain significance. Last evaluated: 2016-01-21. Review status: criteria provided, single submitter. Criteria: EGL Classification Definitions 2015. Collection method: clinical testing. Allele origin: germline. Observed: 1 variant allele, 1 heterozygote.

PreventionGenetics, part of Exact Sciences
Classification: Likely benign for TTN-related condition. Last evaluated: 2020-11-02. Review status: no assertion criteria provided. Collection method: clinical testing. Allele origin: germline. Not counted in ClinVar's aggregate classification.
Comment: This variant is classified as likely benign based on ACMG/AMP sequence variant interpretation guidelines (Richards et al. 2015 PMID: 25741868, with internal and published modifications).

NM_001267550.2(TTN):c.5739C>T (p.Thr1913=)

Gene: TTN (titin; minus strand). Cytogenetic location: 2q31.2.
Variant type: single nucleotide variant.
Coding change: c.5739C>T on transcript NM_001267550.2 (MANE Select); coding-DNA position 5739, C replaced by T.
Protein change: p.Thr1913=; no amino-acid change (threonine 1913 retained).
Molecular consequence: synonymous variant.
Genome position (GRCh38, 1-based): chr2:178,776,125, G>A on the plus strand (C>T on the coding strand, the complement: TTN is on the minus strand). VCF-style: chr2-178776125-G-A. GRCh37 (hg19) VCF-style: chr2-179640852-G-A.
Other names: c.5739C>T, p.Thr1913= (NM_001256850.1, NM_133378.4, NM_133379.5); c.5601C>T, p.Thr1867= (NM_003319.4, NM_133432.3, NM_133437.4).
Identifiers: ClinVar variation 285924 (VCV000285924.24), dbSNP rs530291008, ClinGen allele CA10605295.
Genomic context (GRCh38, chr2:178,776,125, plus strand): 5'-TTCCCTCTGTTGAATCTCAAGCTTCACTTTATGCTCTATCACACCTTCAGGATTTTCCGC[G>A]GTGACCTTCACTTCACCTGTGTCATATGATTTGCAGTCCACGATGTCCAGGTAATGGATA-3'
Protein context (NP_001254479.2, residues 1903-1923): KSYDTGEVKV[Thr1913=]AENPEGVIEH